The following is an entry in ClinVar:

NM_000113.3(TOR1A):c.580G>T (p.Asp194Tyr)

Gene: TOR1A (torsin family 1 member A; minus strand). Cytogenetic location: 9q34.11.
Variant type: single nucleotide variant.
Coding change: c.580G>T on transcript NM_000113.3 (MANE Select); coding-DNA position 580, G replaced by T.
Protein change: p.Asp194Tyr; replaces aspartic acid 194 with tyrosine.
Molecular consequence: missense variant.
Genome position (GRCh38, 1-based): chr9:129,818,785, C>A on the plus strand (G>T on the coding strand, the complement: TOR1A is on the minus strand). VCF-style: chr9-129818785-C-A. GRCh37 (hg19) VCF-style: chr9-132581064-C-A.
Other names: short protein forms D194Y.
Identifiers: ClinVar variation 1045475 (VCV001045475.8), dbSNP rs375911966, ClinGen allele CA5278619.
Genomic context (GRCh38, chr9:129,818,785, plus strand): 5'-TGTCCTAGCCCTGACCTTACCTGAGAAATATGAACATGGCTTTCTGGTAGGAGACCCCAT[C>A]CACCAGGTCATAATAGTCGAGGAAAGGCTTGATGGCATCTATGAGGCCTGCATGCATCTT-3'
Protein context (NP_000104.1, residues 184-204): KPFLDYYDLV[Asp194Tyr]GVSYQKAMFI

ClinVar aggregate classification (germline): Uncertain significance (1 of 4 stars; one submission).

Conditions:
Dystonic disorder. Also called: Dystonia. Identifiers: MedGen C0013421, MONDO:0003441, HP:0001332.

Allele frequency attached by ClinVar (database versions not stated): ExAC 0.00001; gnomAD exomes 0.00001; TOPMed 0.00002; gnomAD 0.00004; ESP Exome Variant Server 0.00008.

Submission:

Labcorp Genetics (formerly Invitae), Labcorp
Classification: Uncertain significance for Dystonic disorder. Last evaluated: 2024-12-16. Review status: criteria provided, single submitter. Criteria: Invitae Variant Classification Sherloc (09022015). Collection method: clinical testing. Allele origin: germline.
Comment: This sequence change replaces aspartic acid, which is acidic and polar, with tyrosine, which is neutral and polar, at codon 194 of the TOR1A protein (p.Asp194Tyr). This variant is present in population databases (rs375911966, gnomAD 0.03%). This variant has not been reported in the literature in individuals affected with TOR1A-related conditions. ClinVar contains an entry for this variant (Variation ID: 1045475). Invitae Evidence Modeling of protein sequence and biophysical properties (such as structural, functional, and spatial information, amino acid conservation, physicochemical variation, residue mobility, and thermodynamic stability) indicates that this missense variant is not expected to disrupt TOR1A protein function with a negative predictive value of 80%. In summary, the available evidence is currently insufficient to determine the role of this variant in disease. Therefore, it has been classified as a Variant of Uncertain Significance.